The following is an entry in ClinVar:

NM_001193315.2(VIPAS39):c.287C>T (p.Ser96Phe)

Gene: VIPAS39 (VPS33B interacting protein, apical-basolateral polarity regulator, spe-39 homolog; minus strand). Cytogenetic location: 14q24.3.
Variant type: single nucleotide variant.
Coding change: c.287C>T on transcript NM_001193315.2 (MANE Select); coding-DNA position 287, C replaced by T.
Protein change: p.Ser96Phe; replaces serine 96 with phenylalanine.
Molecular consequence: missense variant. On other transcripts: non-coding transcript variant (1), intron variant (4).
Genome position (GRCh38, 1-based): chr14:77,451,243, G>A on the plus strand (C>T on the coding strand, the complement: VIPAS39 is on the minus strand). VCF-style: chr14-77451243-G-A. GRCh37 (hg19) VCF-style: chr14-77917586-G-A.
Other names: p.Ser96Phe; c.287C>T, p.Ser96Phe (NM_001193314.2, NM_001193317.2, NM_001400326.1 and 11 more transcripts); c.197-1491C>T (NM_001400337.1, NM_001193316.2, NM_001400324.1 and 1 more transcripts); short protein forms S96F.
Identifiers: ClinVar variation 2683271 (VCV002683271.1), dbSNP rs557717739, ClinGen allele CA7288147.

ClinVar aggregate classification (germline): Uncertain significance (1 of 4 stars; one submission).

Allele frequency attached by ClinVar (database versions not stated): ExAC 0.00001; gnomAD 0.00001; gnomAD exomes 0.00001; 1000 Genomes Project 30x 0.00016; 1000 Genomes Project 0.00020.

Submission:

Mayo Clinic Laboratories, Mayo Clinic
Classification: Uncertain significance. Last evaluated: 2023-03-27. Review status: criteria provided, single submitter. Criteria: ACMG Guidelines, 2015. Collection method: clinical testing. Allele origin: germline. Observed: 1 variant allele.
Comment: BP4, PM2